The following is an entry in ClinVar:

ClinVar aggregate classification (germline): Uncertain significance (1 of 4 stars; one submission).

Conditions:
Inborn genetic diseases. Identifiers: MedGen C0950123, MeSH D030342.

Submission:

Ambry Genetics
Classification: Uncertain significance for Inborn genetic diseases. Last evaluated: 2026-08-17. Review status: criteria provided, single submitter. Criteria: Ambry Variant Classification Scheme 2023. Collection method: clinical testing. Allele origin: germline.
Comment: The p.S589C variant (also known as c.1765A>T), located in coding exon 8 of the MECOM gene, results from an A to T substitution at nucleotide position 1765. The serine at codon 589 is replaced by cysteine, an amino acid with dissimilar properties. This amino acid position is conserved. In addition, this alteration is predicted to be tolerated by in silico analysis. Based on the available evidence, the clinical significance of this variant remains unclear.

NM_004991.4(MECOM):c.1765A>T (p.Ser589Cys)

Gene: MECOM (MDS1 and EVI1 complex locus; minus strand). Cytogenetic location: 3q26.2.
Variant type: single nucleotide variant.
Coding change: c.1765A>T on transcript NM_004991.4 (MANE Select); coding-DNA position 1765, A replaced by T.
Protein change: p.Ser589Cys; replaces serine 589 with cysteine.
Molecular consequence: missense variant. On other transcripts: intron variant (2).
Genome position (GRCh38, 1-based): chr3:169,116,107, T>A on the plus strand (A>T on the coding strand, the complement: MECOM is on the minus strand). VCF-style: chr3-169116107-T-A. GRCh37 (hg19) VCF-style: chr3-168833895-T-A.
Other names: c.1396A>T, p.Ser466Cys (NM_001105077.4); c.1201A>T, p.Ser401Cys (NM_001105078.4, NM_001164000.2, NM_001205194.2 and 4 more transcripts); c.1204A>T, p.Ser402Cys (NM_001163999.2, NM_001366467.2, NM_001366468.2 and 1 more transcripts); c.1765A>T, p.Ser589Cys (NM_001366466.2); c.1133-340A>T (NM_001366473.2); c.569-340A>T (NM_001366474.2); short protein forms S402C, S401C, S589C, S466C.
Identifiers: ClinVar variation 5024190 (VCV005024190.1).